The following is an entry in ClinVar:

ClinVar aggregate classification (germline): Likely benign. Review status: criteria provided, multiple submitters, no conflicts (2 of 4 stars). 2 submissions from 2 submitters: Likely benign (2). Last evaluated 2025-11-12.

Conditions:
Developmental and epileptic encephalopathy 94 (DEE94). Also called: Epileptic encephalopathy, childhood-onset; CHD2-Related Neurodevelopmental Disorders. Identifiers: Orphanet 1942, Orphanet 2382, MedGen C3809278, MONDO:0014150, OMIM 615369.

Submissions (2):

Labcorp Genetics (formerly Invitae), Labcorp
Classification: Likely benign for Developmental and epileptic encephalopathy 94. Last evaluated: 2025-11-12. Review status: criteria provided, single submitter. Criteria: Invitae Variant Classification Sherloc (09022015). Collection method: clinical testing. Allele origin: germline.

GeneDx
Classification: Likely benign. Last evaluated: 2016-04-04. Review status: criteria provided, single submitter. Criteria: GeneDx Variant Classification (06012015). Collection method: clinical testing. Allele origin: germline. Affected: yes.
Comment: This variant is considered likely benign or benign based on one or more of the following criteria: it is a conservative change, it occurs at a poorly conserved position in the protein, it is predicted to be benign by multiple in silico algorithms, and/or has population frequency not consistent with disease.

NM_001271.4(CHD2):c.1371A>G (p.Glu457=)

Gene: CHD2 (chromodomain helicase DNA binding protein 2; plus strand). Cytogenetic location: 15q26.1.
Variant type: single nucleotide variant.
Coding change: c.1371A>G on transcript NM_001271.4 (MANE Select); coding-DNA position 1371, A replaced by G.
Protein change: p.Glu457=; no amino-acid change (glutamic acid 457 retained).
Molecular consequence: synonymous variant.
Genome position (GRCh38, 1-based): chr15:92,946,210, A>G. VCF-style: chr15-92946210-A-G. GRCh37 (hg19) VCF-style: chr15-93489440-A-G.
Other names: c.1371A>G, p.Glu457= (NM_001042572.3).
Identifiers: ClinVar variation 385051 (VCV000385051.2), dbSNP rs770946811, ClinGen allele CA16607085.